The following is an entry in ClinVar:

NM_015557.3(CHD5):c.2552G>A (p.Arg851His)

Gene: CHD5 (chromodomain helicase DNA binding protein 5; minus strand). Cytogenetic location: 1p36.31.
Variant type: single nucleotide variant.
Coding change: c.2552G>A on transcript NM_015557.3 (MANE Select); coding-DNA position 2552, G replaced by A.
Protein change: p.Arg851His; replaces arginine 851 with histidine.
Molecular consequence: missense variant.
Genome position (GRCh38, 1-based): chr1:6,136,750, C>T on the plus strand (G>A on the coding strand, the complement: CHD5 is on the minus strand). VCF-style: chr1-6136750-C-T. GRCh37 (hg19) VCF-style: chr1-6196810-C-T.
Other names: short protein forms R851H.
Identifiers: ClinVar variation 3382657 (VCV003382657.2).

ClinVar aggregate classification (germline): Likely pathogenic (1 of 4 stars; one submission).

Conditions:
Parenti-mignot neurodevelopmental syndrome. Identifiers: MedGen C5676984, MONDO:0859249, OMIM 619873.

gnomAD v4.1: 11 of 1,612,198 alleles (0.00068%); highest among the groups gnomAD compares: African/African-American, 0.0013%; no homozygotes.

Submission:

Juno Genomics, Hangzhou Juno Genomics, Inc
Classification: Likely pathogenic for Parenti-mignot neurodevelopmental syndrome. Review status: criteria provided, single submitter. Criteria: ACMG Guidelines, 2015. Collection method: clinical testing. Allele origin: germline. Affected: yes.
Comment: Absent from controls (or at extremely low frequency if recessive) in Genome Aggregation Database, Exome Sequencing Project, 1000 Genomes Project, or Exome Aggregation Consortium.;Multiple lines of computational evidence support a deleterious effect on the gene or gene product (conservation, evolutionary, splicing impact, etc).;Missense variant in a gene that has a low rate of benign missense variation and where missense variants are a common mechanism of disease.